The following is an entry in ClinVar:

ClinVar aggregate classification (germline): Pathogenic (1 of 4 stars; one submission).

Conditions:
Telangiectasia, hereditary hemorrhagic, type 1 (HHT1). Also called: Osler Weber Rendu syndrome type 1; ENG-Related Hereditary Hemorrhagic Telangiectasia. Identifiers: Orphanet 774, MedGen C4551861, MONDO:0008535, OMIM 187300. Disease mechanism: loss of function.

Submission:

Mayo Clinic Laboratories, Mayo Clinic
Classification: Pathogenic for Telangiectasia, hereditary hemorrhagic, type 1. Last evaluated: 2019-05-09. Review status: criteria provided, single submitter. Criteria: ACMG Guidelines, 2015. Collection method: clinical testing. Allele origin: germline. Affected: yes. Observed: 1 variant allele.
Comment: An out-of-frame duplication of exon 2 of the ENG gene.

Literature cited by the submitters: PubMed 25970827.

Single allele

Gene: ENG (endoglin; minus strand). Cytogenetic location: 9q34.11.
Variant type: Duplication.
Identifiers: ClinVar variation 1120155 (VCV001120155.5).